The following is an entry in ClinVar:

ClinVar aggregate classification (germline): Uncertain significance (1 of 4 stars; one submission).

Conditions:
Hereditary cancer-predisposing syndrome. Also called: Neoplastic Syndromes, Hereditary; Tumor predisposition; Hereditary neoplastic syndrome; Hereditary Cancer Syndrome. Identifiers: Orphanet 140162, MedGen C0027672, MeSH D009386, MONDO:0015356.

Submission:

Ambry Genetics
Classification: Uncertain significance for Hereditary cancer-predisposing syndrome. Last evaluated: 2023-12-06. Review status: criteria provided, single submitter. Criteria: Ambry Variant Classification Scheme 2023. Collection method: clinical testing. Allele origin: germline.
Comment: The c.1662_1664dupGGC variant (also known as p.A555dup), located in coding exon 15 of the TSC2 gene, results from an in-frame duplication of GGC at nucleotide positions 1662 to 1664. This results in the duplication of an extra residue between codons 555 and 556. This amino acid position is well conserved in available vertebrate species. Since supporting evidence is conflicting at this time, the clinical significance of this alteration remains unclear.

NM_000548.5(TSC2):c.1662_1664dup (p.Ala555_Ser556insAla)

Gene: TSC2 (TSC complex subunit 2; plus strand). Cytogenetic location: 16p13.3.
Variant type: Duplication.
Coding change: c.1662_1664dup on transcript NM_000548.5 (MANE Select); coding-DNA positions 1662 to 1664, 3 bases duplicated (GGC; older notation c.1662_1664dupGGC).
Protein change: p.Ala555_Ser556insAla.
Molecular consequence: inframe insertion. On other transcripts: non-coding transcript variant (5), inframe indel (1).
Genome position (GRCh38, 1-based): chr16:2,065,581-2,065,583, GGC duplicated; duplicating any 3 consecutive bases within chr16:2,065,580-2,065,583 gives the same sequence; the c. name uses the placement nearest the transcript's 3' end. VCF-style (leftmost placement, unchanged base first): chr16-2065579-T-TCGG. GRCh37 (hg19) VCF-style: chr16-2115580-T-TCGG.
Other names: c.1662_1664dup, p.Ala555_Ser556insAla (NM_001077183.3, NM_001114382.3, NM_001363528.2 and 6 more transcripts); c.1551_1553dup, p.Ala518_Ser519insAla (NM_001318827.2, NM_001406670.1, NM_001406678.1); c.1515_1517dup, p.Ala506_Ser507insAla (NM_001318829.2, NM_001406675.1, NM_001406676.1 and 1 more transcripts); c.1062_1064dup, p.Ala355_Ser356insAla (NM_001318831.2, NM_001406680.1, NM_001406682.1 and 6 more transcripts); c.1695_1697dup, p.Ala566_Ser567insAla (NM_001318832.2); c.1752_1754dup, p.Ala585_Ser586insAla (NM_001406667.1, NM_001406668.1); c.1650_1652dup, p.Ala551_Ser552insAla (NM_001406671.1, NM_001406673.1); c.1605_1607dup, p.Ala536_Ser537insAla (NM_001406677.1); and 4 more.
Identifiers: ClinVar variation 3232087 (VCV003232087.1), dbSNP rs2543473078, ClinGen allele CA2825002381.
Genomic context (GRCh38, chr16:2,065,579, plus strand): 5'-GTGATGGCCCGCTCCCTCTCCCCACCCCCGGAGCTGGAAGAAAGGGATGTGGCCGCATAC[T>TCGG]CGGCCTCCTTGGAGGATGTGAAGACAGCCGTCCTGGGGCTTCTGGTCATCCTTCAGGTGG-3'